The following is an entry in ClinVar:

ClinVar aggregate classification (germline): Likely pathogenic. Review status: criteria provided, multiple submitters, no conflicts (2 of 4 stars). 2 submissions from 2 submitters: Likely pathogenic (2). Last evaluated 2026-01-07.

Conditions:
Cardiomyopathy (CMYO). Also called: Cardiomyopathies. Identifiers: Orphanet 167848, MedGen C0878544, MONDO:0004994, HP:0001638. Inheritance: Various modes of inheritance.
Dilated cardiomyopathy 1G (CMD1G). Identifiers: Orphanet 154, MedGen C1858763, MONDO:0011400, OMIM 604145.
Autosomal recessive limb-girdle muscular dystrophy type 2J (LGMDR10). Also called: MUSCULAR DYSTROPHY, LIMB-GIRDLE, AUTOSOMAL RECESSIVE 10; Limb-girdle muscular dystrophy, type 2J. Identifiers: Orphanet 140922, MedGen C1837342, MONDO:0012127, OMIM 608807.

Allele frequency attached by ClinVar (database versions not stated): gnomAD 0.00001.
gnomAD v4.1: 1 of 1,612,888 alleles (0.000062%); highest among the groups gnomAD compares: African/African-American, 0.0013%; no homozygotes.

Submissions (2):

Labcorp Genetics (formerly Invitae), Labcorp
Classification: Likely pathogenic for Dilated cardiomyopathy 1G; Autosomal recessive limb-girdle muscular dystrophy type 2J. Last evaluated: 2026-01-07. Review status: criteria provided, single submitter. Criteria: Invitae Variant Classification Sherloc (09022015). Collection method: clinical testing. Allele origin: germline.
Comment: This sequence change affects a donor splice site in intron 319 of the TTN gene. It is expected to disrupt RNA splicing and likely results in a truncated or disrupted TTN protein. This variant is not present in population databases (gnomAD no frequency). This variant has not been reported in the literature in individuals affected with TTN-related conditions. ClinVar contains an entry for this variant (Variation ID: 691742). Algorithms developed to predict the effect of sequence changes on RNA splicing suggest that this variant may disrupt the consensus splice site. This variant is located in the A band of TTN (PMID: 25589632). Truncating variants in this region are significantly overrepresented in patients affected with dilated cardiomyopathy (PMID: 25589632). Truncating variants in this region have also been reported in individuals affected with autosomal recessive centronuclear myopathy (PMID: 23975875). In summary, the currently available evidence indicates that the variant is pathogenic, but additional data are needed to prove that conclusively. Therefore, this variant has been classified as Likely Pathogenic.

Center for Advanced Laboratory Medicine, UC San Diego Health, University of California San Diego
Classification: Likely pathogenic for Cardiomyopathy. Last evaluated: 2022-08-29. Review status: criteria provided, single submitter. Criteria: ACMG Guidelines, 2015. Collection method: clinical testing. Allele origin: germline. Affected: yes. Observed: 4 variant alleles.

Literature cited by the submitters: PubMed 25589632 (cited by Labcorp Genetics (formerly Invitae), Labcorp); PubMed 23975875 (cited by Labcorp Genetics (formerly Invitae), Labcorp).

NM_001267550.2(TTN):c.67636+2T>C

Genes: TTN (titin; minus strand), TTN-AS1 (TTN antisense RNA 1; plus strand), LOC126806423 (CDK7 strongly-dependent group 2 enhancer GRCh37_chr2:179443309-179444508; plus strand). Cytogenetic location: 2q31.2.
Variant type: single nucleotide variant.
Coding change: c.67636+2T>C on transcript NM_001267550.2 (MANE Select); the canonical splice donor site of the intron after coding-DNA position 67636, T replaced by C.
Molecular consequence: splice donor variant.
Genome position (GRCh38, 1-based): chr2:178,579,559, A>G on the plus strand (T>C on the coding strand, the complement: TTN is on the minus strand). VCF-style: chr2-178579559-A-G. GRCh37 (hg19) VCF-style: chr2-179444286-A-G.
Other names: c.40441+2T>C (NM_003319.4); c.41017+2T>C (NM_133437.4); c.40816+2T>C (NM_133432.3); c.59932+2T>C (NM_133378.4); c.62713+2T>C (NM_001256850.1).
Identifiers: ClinVar variation 691742 (VCV000691742.8), dbSNP rs1575872984, ClinGen allele CA349423314.